The following is an entry in ClinVar:

ClinVar aggregate classification (germline): Pathogenic (1 of 4 stars; one submission).

Submission:

Labcorp Genetics (formerly Invitae), Labcorp
Classification: Pathogenic. Last evaluated: 2023-09-20. Review status: criteria provided, single submitter. Criteria: Invitae Variant Classification Sherloc (09022015). Collection method: clinical testing. Allele origin: unknown.
Comment: A gross deletion of the genomic region encompassing the full coding sequence of the GJB2 gene has been identified. Loss-of-function variants in GJB2 are known to be pathogenic (PMID: 12121617, 17041943). The boundaries of this event are unknown as they extend beyond the assayed region for this gene and therefore may encompass additional genes. This variant has not been reported in the literature in individuals affected with GJB2-related conditions. For these reasons, this variant has been classified as Pathogenic.

Literature cited by the submitters: PubMed 12121617; PubMed 17041943.

NC_000013.10:g.(?_20763040)_(21099933_?)del

Genes: CRYL1 (crystallin lambda 1; minus strand), GJB2 (gap junction protein beta 2; minus strand), GJB6 (gap junction protein beta 6; minus strand). Cytogenetic location: 13q12.11.
Variant type: Deletion.
Identifiers: ClinVar variation 3244213 (VCV003244213.1).